The following is an entry in ClinVar:

NM_006258.4(PRKG1):c.1001+223G>A

Gene: PRKG1 (protein kinase cGMP-dependent 1; plus strand). Cytogenetic location: 10q21.1.
Variant type: single nucleotide variant.
Coding change: c.1001+223G>A on transcript NM_006258.4 (MANE Select); 223 bases into the intron after coding-DNA position 1001, G replaced by A.
Molecular consequence: intron variant.
Genome position (GRCh38, 1-based): chr10:52,134,128, G>A. VCF-style: chr10-52134128-G-A. GRCh37 (hg19) VCF-style: chr10-53893888-G-A.
Other names: c.956+223G>A (NM_001098512.3).
Identifiers: ClinVar variation 678086 (VCV000678086.1), dbSNP rs7097336, ClinGen allele CA207385057.
Genomic context (GRCh38, chr10:52,134,128, plus strand): 5'-GCTGGCTCTGCCATTCTAGCTTTGTGATCTTTAACAAGGTACTTAACCACTGTGAGCTTC[G>A]GCTCAGCTCATTTGTAAACTGAGGTAATGAAATATCATACAGATATTTTGAGGATTAATG-3'

ClinVar aggregate classification (germline): Benign (1 of 4 stars; one submission).

Allele frequency attached by ClinVar (database versions not stated): 1000 Genomes Project 30x 0.99656; 1000 Genomes Project 0.99661; TOPMed 0.99834; gnomAD 0.99847 and 0.99852.
gnomAD v4.1: 152,074 of 152,298 alleles (100%); highest among the groups gnomAD compares: Non-Finnish European, 100%; 75,925 homozygotes.

Submission:

GeneDx
Classification: Benign. Last evaluated: 2018-06-14. Review status: criteria provided, single submitter. Criteria: GeneDx Variant Classification (06012015). Collection method: clinical testing. Allele origin: germline. Affected: yes.
Comment: This variant is considered likely benign or benign based on one or more of the following criteria: it is a conservative change, it occurs at a poorly conserved position in the protein, it is predicted to be benign by multiple in silico algorithms, and/or has population frequency not consistent with disease.